The following is an entry in ClinVar:

ClinVar aggregate classification (germline): Uncertain significance (1 of 4 stars; one submission).

Conditions:
Inborn genetic diseases. Identifiers: MedGen C0950123, MeSH D030342.

Submission:

Ambry Genetics
Classification: Uncertain significance for Inborn genetic diseases. Last evaluated: 2025-06-07. Review status: criteria provided, single submitter. Criteria: Ambry Variant Classification Scheme 2023. Collection method: clinical testing. Allele origin: germline.
Comment: The p.K77T variant (also known as c.230A>C), located in coding exon 1 of the LTBP3 gene, results from an A to C substitution at nucleotide position 230. The lysine at codon 77 is replaced by threonine, an amino acid with similar properties. This amino acid position is conserved. In addition, this alteration is predicted to be tolerated by in silico analysis. Based on the available evidence, the clinical significance of this variant remains unclear.

NM_001130144.3(LTBP3):c.230A>C (p.Lys77Thr)

Gene: LTBP3 (latent transforming growth factor beta binding protein 3; minus strand). Cytogenetic location: 11q13.1.
Variant type: single nucleotide variant.
Coding change: c.230A>C on transcript NM_001130144.3 (MANE Select); coding-DNA position 230, A replaced by C.
Protein change: p.Lys77Thr; replaces lysine 77 with threonine.
Molecular consequence: missense variant. On other transcripts: 5 prime UTR variant (1).
Genome position (GRCh38, 1-based): chr11:65,557,730, T>G on the plus strand (A>C on the coding strand, the complement: LTBP3 is on the minus strand). VCF-style: chr11-65557730-T-G. GRCh37 (hg19) VCF-style: chr11-65325201-T-G.
Other names: c.-118A>C (NM_001164266.1); c.230A>C, p.Lys77Thr (NM_021070.4); short protein forms K77T.
Identifiers: ClinVar variation 4049888 (VCV004049888.1).